The following is an entry in ClinVar:

ClinVar aggregate classification (germline): Uncertain significance. Review status: criteria provided, multiple submitters, no conflicts (2 of 4 stars). 5 submissions from 5 submitters: Uncertain significance (4). 1 of the submissions does not count toward it. Last evaluated 2025-04-13.

Conditions:
Inborn genetic diseases. Identifiers: MedGen C0950123, MeSH D030342.
Bardet-Biedl syndrome (BBS). Identifiers: Orphanet 110, MedGen C0752166, MONDO:0015229.
BBS9-related disorder. Also called: BBS9-related condition.
Bardet-Biedl syndrome 9 (BBS9). Identifiers: Orphanet 110, MedGen C1859567, MONDO:0014437, OMIM 615986.

Allele frequency attached by ClinVar (database versions not stated): ExAC 0.00005; gnomAD exomes 0.00007 and 0.00009; TOPMed 0.00009; gnomAD 0.00011; ESP Exome Variant Server 0.00023.
gnomAD v4.1: 157 of 1,613,578 alleles (0.0097%); highest among the groups gnomAD compares: Non-Finnish European, 0.012%; no homozygotes.

Submissions (5):

Ambry Genetics
Classification: Uncertain significance for Inborn genetic diseases. Last evaluated: 2025-04-13. Review status: criteria provided, single submitter. Criteria: Ambry Variant Classification Scheme 2023. Collection method: clinical testing. Allele origin: germline.

Fulgent Genetics
Classification: Uncertain significance for Bardet-Biedl syndrome 9. Last evaluated: 2024-05-31. Review status: criteria provided, single submitter. Criteria: ACMG Guidelines, 2015. Collection method: clinical testing. Allele origin: germline.

Blueprint Genetics
Classification: Uncertain significance. Last evaluated: 2024-03-21. Review status: criteria provided, single submitter. Criteria: ACMG Guidelines, 2015. Collection method: clinical testing. Allele origin: germline.

Labcorp Genetics (formerly Invitae), Labcorp
Classification: Uncertain significance for Bardet-Biedl syndrome. Last evaluated: 2022-06-27. Review status: criteria provided, single submitter. Criteria: Invitae Variant Classification Sherloc (09022015). Collection method: clinical testing. Allele origin: germline.
Comment: This sequence change replaces serine, which is neutral and polar, with glycine, which is neutral and non-polar, at codon 288 of the BBS9 protein (p.Ser288Gly). This variant is present in population databases (rs146770174, gnomAD 0.01%). This variant has not been reported in the literature in individuals affected with BBS9-related conditions. ClinVar contains an entry for this variant (Variation ID: 1051873). Algorithms developed to predict the effect of missense changes on protein structure and function (SIFT, PolyPhen-2, Align-GVGD) all suggest that this variant is likely to be disruptive. In summary, the available evidence is currently insufficient to determine the role of this variant in disease. Therefore, it has been classified as a Variant of Uncertain Significance.

PreventionGenetics, part of Exact Sciences
Classification: Uncertain significance for BBS9-related condition. Last evaluated: 2024-03-22. Review status: no assertion criteria provided. Collection method: clinical testing. Allele origin: germline. Not counted in ClinVar's aggregate classification.
Comment: The BBS9 c.862A>G variant is predicted to result in the amino acid substitution p.Ser288Gly. To our knowledge, this variant has not been reported in the literature. This variant is reported in 0.015% of alleles in individuals of European (Non-Finnish) descent in gnomAD. At this time, the clinical significance of this variant is uncertain due to the absence of conclusive functional and genetic evidence.

NM_198428.3(BBS9):c.862A>G (p.Ser288Gly)

Gene: BBS9 (Bardet-Biedl syndrome 9; plus strand). Cytogenetic location: 7p14.3.
Variant type: single nucleotide variant.
Coding change: c.862A>G on transcript NM_198428.3 (MANE Select); coding-DNA position 862, A replaced by G.
Protein change: p.Ser288Gly; replaces serine 288 with glycine.
Molecular consequence: missense variant. On other transcripts: non-coding transcript variant (3).
Genome position (GRCh38, 1-based): chr7:33,273,171, A>G. VCF-style: chr7-33273171-A-G. GRCh37 (hg19) VCF-style: chr7-33312783-A-G.
Other names: c.862A>G (NM_198428.2); c.862A>G, p.Ser288Gly (NM_001033604.2, NM_001033605.2, NM_001348036.1 and 5 more transcripts); c.496A>G, p.Ser166Gly (NM_001348037.3, NM_001348044.3, NM_001348045.3 and 1 more transcripts); c.589A>G, p.Ser197Gly (NM_001348038.3, NM_001348039.3); c.727A>G, p.Ser243Gly (NM_001348042.3); short protein forms S166G, S197G, S243G, S288G.
Identifiers: ClinVar variation 1051873 (VCV001051873.9), dbSNP rs146770174, ClinGen allele CA4214124.
Genomic context (GRCh38, chr7:33,273,171, plus strand): 5'-TTTTTTTGCCTTAAGGATAATGGACAAATTCGATTCATGAAGAAGCTTGATTGGAGCCCA[A>G]GTTGTTTTCTGCCATATTGCTCAGGTGTGTAGAAAGATTTTCTTTTATCTCTTCCATATG-3'
Protein context (NP_940820.1, residues 278-298): RFMKKLDWSP[Ser288Gly]CFLPYCSVSE